The following is an entry in ClinVar:

NM_001142800.2(EYS):c.6270G>A (p.Trp2090Ter)

Gene: EYS (EGF-like photoreceptor maintenance factor; minus strand). Cytogenetic location: 6q12.
Variant type: single nucleotide variant.
Coding change: c.6270G>A on transcript NM_001142800.2 (MANE Select); coding-DNA position 6270, G replaced by A.
Protein change: p.Trp2090Ter; replaces tryptophan 2090 with a stop codon.
Molecular consequence: nonsense.
Genome position (GRCh38, 1-based): chr6:64,230,746, C>T on the plus strand (G>A on the coding strand, the complement: EYS is on the minus strand). VCF-style: chr6-64230746-C-T. GRCh37 (hg19) VCF-style: chr6-64940639-C-T.
Other names: c.6270G>A, p.Trp2090Ter (NM_001292009.2); short protein forms W2090*.
Identifiers: ClinVar variation 1986931 (VCV001986931.5), dbSNP rs1276354912, ClinGen allele CA364391472.
Genomic context (GRCh38, chr6:64,230,746, plus strand): 5'-ATTGTGGCATACATCCTGCTGGCACACAGAGGGTGCTGCAACAGAGGGGCTGACAGAAGT[C>T]CACATGGTATCAACCCCTTGTGTCACATCAGAAGCATCAACAAAGGAGGCTGTTGGAGAC-3'

ClinVar aggregate classification (germline): Pathogenic/Likely pathogenic. Review status: criteria provided, multiple submitters, no conflicts (2 of 4 stars). 2 submissions from 2 submitters: Pathogenic (1); Likely pathogenic (1). Last evaluated 2024-10-21.

Conditions:
Retinitis pigmentosa 25 (RP25). Identifiers: Orphanet 791, MedGen C1864446, MONDO:0011272, OMIM 602772.

Allele frequency attached by ClinVar (database versions not stated): gnomAD exomes below 0.00001; gnomAD 0.00001; TOPMed 0.00001.
gnomAD v4.1: 3 of 1,551,422 alleles (0.00019%); highest among the groups gnomAD compares: African/African-American, 0.0041%; no homozygotes.

Submissions (2):

Labcorp Genetics (formerly Invitae), Labcorp
Classification: Pathogenic. Last evaluated: 2024-10-21. Review status: criteria provided, single submitter. Criteria: Invitae Variant Classification Sherloc (09022015). Collection method: clinical testing. Allele origin: germline.
Comment: This sequence change creates a premature translational stop signal (p.Trp2090*) in the EYS gene. It is expected to result in an absent or disrupted protein product. Loss-of-function variants in EYS are known to be pathogenic (PMID: 18836446, 20333770). This variant is present in population databases (no rsID available, gnomAD 0.01%). This variant has not been reported in the literature in individuals affected with EYS-related conditions. ClinVar contains an entry for this variant (Variation ID: 1986931). For these reasons, this variant has been classified as Pathogenic.

Baylor Genetics
Classification: Likely pathogenic for Retinitis pigmentosa 25. Last evaluated: 2023-01-02. Review status: criteria provided, single submitter. Criteria: ACMG Guidelines, 2015. Collection method: clinical testing. Allele origin: unknown.

Literature cited by the submitters: PubMed 18836446 (cited by Labcorp Genetics (formerly Invitae), Labcorp); PubMed 20333770 (cited by Labcorp Genetics (formerly Invitae), Labcorp).